The following is an entry in ClinVar:

ClinVar aggregate classification (germline): Uncertain significance (1 of 4 stars; one submission).

Submission:

Labcorp Genetics (formerly Invitae), Labcorp
Classification: Uncertain significance. Last evaluated: 2024-10-10. Review status: criteria provided, single submitter. Criteria: Invitae Variant Classification Sherloc (09022015). Collection method: clinical testing. Allele origin: germline.
Comment: This sequence change replaces asparagine, which is neutral and polar, with lysine, which is basic and polar, at codon 1561 of the COL4A2 protein (p.Asn1561Lys). This variant is not present in population databases (gnomAD no frequency). This variant has not been reported in the literature in individuals affected with COL4A2-related conditions. Invitae Evidence Modeling of protein sequence and biophysical properties (such as structural, functional, and spatial information, amino acid conservation, physicochemical variation, residue mobility, and thermodynamic stability) has been performed for this missense variant. However, the output from this modeling did not meet the statistical confidence thresholds required to predict the impact of this variant on COL4A2 protein function. In summary, the available evidence is currently insufficient to determine the role of this variant in disease. Therefore, it has been classified as a Variant of Uncertain Significance.

NM_001846.4(COL4A2):c.4683C>G (p.Asn1561Lys)

Genes: COL4A2 (collagen type IV alpha 2 chain; plus strand), COL4A2-AS1 (COL4A2 antisense RNA 1; minus strand). Cytogenetic location: 13q34.
Variant type: single nucleotide variant.
Coding change: c.4683C>G on transcript NM_001846.4 (MANE Select); coding-DNA position 4683, C replaced by G.
Protein change: p.Asn1561Lys; replaces asparagine 1561 with lysine.
Molecular consequence: missense variant.
Genome position (GRCh38, 1-based): chr13:110,508,023, C>G. VCF-style: chr13-110508023-C-G. GRCh37 (hg19) VCF-style: chr13-111160370-C-G.
Other names: short protein forms N1561K.
Identifiers: ClinVar variation 3693462 (VCV003693462.2).